The following is an entry in ClinVar:

ClinVar aggregate classification (germline): Uncertain significance. Review status: criteria provided, multiple submitters, no conflicts (2 of 4 stars). 4 submissions from 4 submitters: Uncertain significance (4). Last evaluated 2025-11-18.

Conditions:
Aortic aneurysm, familial thoracic 4 (AAT4). Also called: AORTIC ANEURYSM/AORTIC DISSECTION AND PATENT DUCTUS ARTERIOSUS. Identifiers: MedGen C1851504, MONDO:0007568, OMIM 132900.
Visceral myopathy 2. Identifiers: MedGen C5543466, MONDO:0859157, OMIM 619350.
Megacystis-microcolon-intestinal hypoperistalsis syndrome 2. Identifiers: MedGen C5543476, MONDO:0025708, OMIM 619351.
Familial thoracic aortic aneurysm and aortic dissection (TAAD). Also called: Thoracic aortic aneurysms and dissections. Identifiers: Orphanet 91387, MedGen C4707243, MONDO:0019625.

Allele frequency attached by ClinVar (database versions not stated): gnomAD exomes below 0.00001.

Submissions (4):

Color Diagnostics, LLC DBA Color Health
Classification: Uncertain significance for Familial thoracic aortic aneurysm and aortic dissection. Last evaluated: 2025-11-18. Review status: criteria provided, single submitter. Criteria: ACMG Guidelines, 2015. Collection method: clinical testing. Allele origin: germline.
Comment: This missense variant replaces arginine with cysteine at codon 280 of the MYH11 protein. Computational prediction is inconclusive regarding the impact of this variant on protein structure and function. To our knowledge, functional studies have not been reported for this variant. This variant has not been reported in individuals affected with MYH11-related disorders in the literature. This variant has been identified in 3/1613882 chromosomes in the general population by the Genome Aggregation Database (gnomAD). The available evidence is insufficient to determine the role of this variant in disease conclusively. Therefore, this variant is classified as a Variant of Uncertain Significance.

GeneDx
Classification: Uncertain significance. Last evaluated: 2025-05-01. Review status: criteria provided, single submitter. Criteria: GeneDx Variant Classification Process June 2021. Collection method: clinical testing. Allele origin: germline. Affected: yes.
Comment: Not observed at significant frequency in large population cohorts (gnomAD); In silico analysis is inconclusive as to whether the variant alters gene splicing. In the absence of RNA/functional studies, the actual effect of this sequence change is unknown.; In silico analysis supports that this missense variant has a deleterious effect on protein structure/function; Has not been previously published as pathogenic or benign to our knowledge

Labcorp Genetics (formerly Invitae), Labcorp
Classification: Uncertain significance for Aortic aneurysm, familial thoracic 4. Last evaluated: 2024-02-29. Review status: criteria provided, single submitter. Criteria: Invitae Variant Classification Sherloc (09022015). Collection method: clinical testing. Allele origin: germline.
Comment: This sequence change replaces arginine, which is basic and polar, with cysteine, which is neutral and slightly polar, at codon 280 of the MYH11 protein (p.Arg280Cys). This variant is not present in population databases (gnomAD no frequency). This variant has not been reported in the literature in individuals affected with MYH11-related conditions. ClinVar contains an entry for this variant (Variation ID: 452830). Advanced modeling of protein sequence and biophysical properties (such as structural, functional, and spatial information, amino acid conservation, physicochemical variation, residue mobility, and thermodynamic stability) performed at Invitae indicates that this missense variant is not expected to disrupt MYH11 protein function with a negative predictive value of 80%. In summary, the available evidence is currently insufficient to determine the role of this variant in disease. Therefore, it has been classified as a Variant of Uncertain Significance.

Fulgent Genetics
Classification: Uncertain significance for Aortic aneurysm, familial thoracic 4; Visceral myopathy 2; Megacystis-microcolon-intestinal hypoperistalsis syndrome 2. Last evaluated: 2021-12-15. Review status: criteria provided, single submitter. Criteria: ACMG Guidelines, 2015. Collection method: clinical testing. Allele origin: unknown.

NM_002474.3(MYH11):c.817C>T (p.Arg273Cys)

Gene: MYH11 (myosin heavy chain 11; minus strand). Cytogenetic location: 16p13.11.
Variant type: single nucleotide variant.
Coding change: c.817C>T on transcript NM_002474.3 (MANE Select); coding-DNA position 817, C replaced by T.
Protein change: p.Arg273Cys; replaces arginine 273 with cysteine.
Molecular consequence: missense variant.
Genome position (GRCh38, 1-based): chr16:15,776,150, G>A on the plus strand (C>T on the coding strand, the complement: MYH11 is on the minus strand). VCF-style: chr16-15776150-G-A. GRCh37 (hg19) VCF-style: chr16-15870007-G-A.
Other names: c.838C>T, p.Arg280Cys (NM_001040113.2, NM_001040114.2); c.817C>T, p.Arg273Cys (NM_022844.3); short protein forms R273C, R280C.
Identifiers: ClinVar variation 452830 (VCV000452830.7), dbSNP rs1490228863, ClinGen allele CA394869584.